The following is an entry in ClinVar:

ClinVar aggregate classification (germline): Uncertain significance (1 of 4 stars; one submission).

Conditions:
Dyskeratosis congenita, autosomal dominant 2. Identifiers: MedGen C3151443, MONDO:0013521, OMIM 613989.
Idiopathic Pulmonary Fibrosis. Also called: Idiopathic fibrosing alveolitis, chronic form; idiopathic fibrosing alveolitis. Identifiers: Orphanet 2032, MedGen C1800706, MeSH D054990, MONDO:0800504.

Allele frequency attached by ClinVar (database versions not stated): gnomAD 0.00001; gnomAD exomes 0.00001; ExAC 0.00002; TOPMed 0.00002; 1000 Genomes Project 30x 0.00016; 1000 Genomes Project 0.00020.
gnomAD v4.1: 5 of 1,613,170 alleles (0.00031%); highest among the groups gnomAD compares: Admixed American, 0.0033%; no homozygotes.

Submission:

Labcorp Genetics (formerly Invitae), Labcorp
Classification: Uncertain significance for Dyskeratosis congenita, autosomal dominant 2; Idiopathic Pulmonary Fibrosis. Last evaluated: 2022-05-31. Review status: criteria provided, single submitter. Criteria: Invitae Variant Classification Sherloc (09022015). Collection method: clinical testing. Allele origin: germline.
Comment: This sequence change replaces leucine, which is neutral and non-polar, with phenylalanine, which is neutral and non-polar, at codon 593 of the TERT protein (p.Leu593Phe). This variant is present in population databases (rs199585924, gnomAD 0.006%). This variant has not been reported in the literature in individuals affected with TERT-related conditions. ClinVar contains an entry for this variant (Variation ID: 639010). Advanced modeling of protein sequence and biophysical properties (such as structural, functional, and spatial information, amino acid conservation, physicochemical variation, residue mobility, and thermodynamic stability) performed at Invitae indicates that this missense variant is not expected to disrupt TERT protein function. Algorithms developed to predict the effect of sequence changes on RNA splicing suggest that this variant may disrupt the consensus splice site. In summary, the available evidence is currently insufficient to determine the role of this variant in disease. Therefore, it has been classified as a Variant of Uncertain Significance.

NM_198253.3(TERT):c.1779G>T (p.Leu593Phe)

Gene: TERT (telomerase reverse transcriptase; minus strand). Cytogenetic location: 5p15.33.
Variant type: single nucleotide variant.
Coding change: c.1779G>T on transcript NM_198253.3 (MANE Select); coding-DNA position 1779, G replaced by T.
Protein change: p.Leu593Phe; replaces leucine 593 with phenylalanine.
Molecular consequence: missense variant. On other transcripts: non-coding transcript variant (2).
Genome position (GRCh38, 1-based): chr5:1,280,329, C>A on the plus strand (G>T on the coding strand, the complement: TERT is on the minus strand). VCF-style: chr5-1280329-C-A. GRCh37 (hg19) VCF-style: chr5-1280444-C-A.
Other names: c.1779G>T, p.Leu593Phe (NM_001193376.3); short protein forms L593F.
Identifiers: ClinVar variation 639010 (VCV000639010.4), dbSNP rs199585924, ClinGen allele CA3184757.